The following is an entry in ClinVar:

ClinVar aggregate classification (germline): Uncertain significance (1 of 4 stars; one submission).

Conditions:
Hereditary nonpolyposis colorectal neoplasms. Identifiers: MedGen C0009405, MeSH D003123.

Submission:

Labcorp Genetics (formerly Invitae), Labcorp
Classification: Uncertain significance for Hereditary nonpolyposis colorectal neoplasms. Last evaluated: 2021-09-01. Review status: criteria provided, single submitter. Criteria: Invitae Variant Classification Sherloc (09022015). Collection method: clinical testing. Allele origin: germline.
Comment: In summary, the available evidence is currently insufficient to determine the role of this variant in disease. Therefore, it has been classified as a Variant of Uncertain Significance. Algorithms developed to predict the effect of missense changes on protein structure and function (SIFT, PolyPhen-2, Align-GVGD) all suggest that this variant is likely to be disruptive. This sequence change replaces valine with glycine at codon 143 of the MSH6 protein (p.Val143Gly). The valine residue is moderately conserved and there is a moderate physicochemical difference between valine and glycine. This variant is not present in population databases (ExAC no frequency). This variant has not been reported in the literature in individuals affected with MSH6-related conditions.

NM_000179.3(MSH6):c.428T>G (p.Val143Gly)

Gene: MSH6 (mutS homolog 6; plus strand). Cytogenetic location: 2p16.3.
Variant type: single nucleotide variant.
Coding change: c.428T>G on transcript NM_000179.3 (MANE Select); coding-DNA position 428, T replaced by G.
Protein change: p.Val143Gly; replaces valine 143 with glycine.
Molecular consequence: missense variant. On other transcripts: 5 prime UTR variant (2), intron variant (1).
Genome position (GRCh38, 1-based): chr2:47,791,094, T>G. VCF-style: chr2-47791094-T-G. GRCh37 (hg19) VCF-style: chr2-48018233-T-G.
Other names: c.-309T>G (NM_001281493.2); c.-475T>G (NM_001281494.2); c.238-7517T>G (NM_001281492.2); short protein forms V143G.
Identifiers: ClinVar variation 1379042 (VCV001379042.6), dbSNP rs1324188451, ClinGen allele CA346737152.